The following is an entry in ClinVar:

ClinVar aggregate classification (germline): Uncertain significance (1 of 4 stars; one submission).

Submission:

Labcorp Genetics (formerly Invitae), Labcorp
Classification: Uncertain significance. Last evaluated: 2024-04-17. Review status: criteria provided, single submitter. Criteria: Invitae Variant Classification Sherloc (09022015). Collection method: clinical testing. Allele origin: germline.
Comment: This sequence change replaces aspartic acid, which is acidic and polar, with glutamic acid, which is acidic and polar, at codon 651 of the LAMB1 protein (p.Asp651Glu). This variant is not present in population databases (gnomAD no frequency). This variant has not been reported in the literature in individuals affected with LAMB1-related conditions. ClinVar contains an entry for this variant (Variation ID: 1926130). An algorithm developed to predict the effect of missense changes on protein structure and function (PolyPhen-2) suggests that this variant is likely to be disruptive. In summary, the available evidence is currently insufficient to determine the role of this variant in disease. Therefore, it has been classified as a Variant of Uncertain Significance.

NM_002291.3(LAMB1):c.1953C>G (p.Asp651Glu)

Gene: LAMB1 (laminin subunit beta 1; minus strand). Cytogenetic location: 7q31.1.
Variant type: single nucleotide variant.
Coding change: c.1953C>G on transcript NM_002291.3 (MANE Select); coding-DNA position 1953, C replaced by G.
Protein change: p.Asp651Glu; replaces aspartic acid 651 with glutamic acid.
Molecular consequence: missense variant.
Genome position (GRCh38, 1-based): chr7:107,961,581, G>C on the plus strand (C>G on the coding strand, the complement: LAMB1 is on the minus strand). VCF-style: chr7-107961581-G-C. GRCh37 (hg19) VCF-style: chr7-107602026-G-C.
Other names: short protein forms D651E.
Identifiers: ClinVar variation 1926130 (VCV001926130.5), dbSNP rs2033502220, ClinGen allele CA368869888.